The following is an entry in ClinVar:

NM_019109.5(ALG1):c.1187+3A>G

Gene: ALG1 (ALG1 chitobiosyldiphosphodolichol beta-mannosyltransferase; plus strand). Cytogenetic location: 16p13.3.
Variant type: single nucleotide variant.
Coding change: c.1187+3A>G on transcript NM_019109.5 (MANE Select); 3 bases into the intron after coding-DNA position 1187, A replaced by G.
Molecular consequence: intron variant.
Genome position (GRCh38, 1-based): chr16:5,082,676, A>G. VCF-style: chr16-5082676-A-G. GRCh37 (hg19) VCF-style: chr16-5132677-A-G.
Other names: c.854+3A>G (NM_001330504.2).
Identifiers: ClinVar variation 224118 (VCV000224118.30), dbSNP rs369160589, ClinGen allele CA211937.

ClinVar aggregate classification (germline): Pathogenic/Likely pathogenic. Review status: criteria provided, multiple submitters, no conflicts (2 of 4 stars). 16 submissions from 15 submitters: Pathogenic (8); Likely pathogenic (6). 2 of the submissions do not count toward it. Last evaluated 2026-01-17.

Conditions:
ALG1-related disorder. Also called: ALG1-related condition.
Congenital disorder of glycosylation type I. Also called: Carbohydrate-deficient glycoprotein syndrome type I. Identifiers: MedGen C4700504, MONDO:0005500.
Fetal anomalies with a likely genetic cause.
Congenital disorder of glycosylation (CDG). Also called: Carbohydrate-deficient glycoprotein syndrome; Congenital disorders of glycosylation. Identifiers: Orphanet 137, MedGen C0282577, MONDO:0015286.
ALG1-congenital disorder of glycosylation. Also called: ALG1-CDG; CONGENITAL DISORDER OF GLYCOSYLATION, TYPE Ik; CDG Ik. Identifiers: Orphanet 79327, MedGen C2931005, MONDO:0012052, OMIM 608540.
Encephalopathy. Also called: Unspecified encephalopathy. Identifiers: MedGen C0085584, HP:0001298.

Allele frequency attached by ClinVar (database versions not stated): gnomAD exomes 0.00023 and 0.00010; gnomAD 0.00012 and 0.00013; TOPMed 0.00012; ESP Exome Variant Server 0.00025; ExAC 0.00009.

Submissions 1 to 8 of 16:

Labcorp Genetics (formerly Invitae), Labcorp
Classification: Pathogenic for ALG1-congenital disorder of glycosylation. Last evaluated: 2026-01-17. Review status: criteria provided, single submitter. Criteria: Invitae Variant Classification Sherloc (09022015). Collection method: clinical testing. Allele origin: germline.
Comment: This sequence change falls in intron 11 of the ALG1 gene. It does not directly change the encoded amino acid sequence of the ALG1 protein. RNA analysis indicates that this variant induces altered splicing and may result in an absent or altered protein product. This variant is present in population databases (rs369160589, gnomAD 0.02%). This variant has been observed in individual(s) with congenital disorders of glycosylation (PMID: 26931382, 32190976). In at least one individual the data is consistent with being in trans (on the opposite chromosome) from a pathogenic variant. ClinVar contains an entry for this variant (Variation ID: 224118). Variants that disrupt the consensus splice site are a relatively common cause of aberrant splicing (PMID: 17576681, 9536098). Studies have shown that this variant results in retention of intron 11 of the ALG1 gene, and produces a non-functional protein and/or introduces a premature termination codon (PMID: 28554332). For these reasons, this variant has been classified as Pathogenic.

Women's Health and Genetics/Laboratory Corporation of America, LabCorp
Classification: Likely pathogenic for ALG1-congenital disorder of glycosylation. Last evaluated: 2024-09-10. Review status: criteria provided, single submitter. Criteria: LabCorp Variant Classification Summary - May 2015. Collection method: clinical testing. Allele origin: germline.
Comment: Variant summary: ALG1 c.1187+3A>G alters a conserved nucleotide located close to a canonical splice site and therefore could affect mRNA splicing, leading to a significantly altered protein sequence. Several computational tools predict a significant impact on normal splicing: Three predict the variant abolishes a 5 prime splicing donor site. One predict the variant weakens a 5 prime donor site. At least one publication reports experimental evidence that this variant affects mRNA splicing (Bowling_2017). The variant allele was found at a frequency of 0.0001 in 249520 control chromosomes. This frequency is not significantly higher than estimated for a pathogenic variant in ALG1 causing Congenital Disorder Of Glycosylation Type 1K (0.0001 vs 0.0011), allowing no conclusion about variant significance. c.1187+3A>G has been reported in the literature in individuals affected with Congenital Disorder Of Glycosylation Type 1K. These data indicate that the variant may be associated with disease. The following publications have been ascertained in the context of this evaluation (PMID: 28554332, 32190976, 34567092, 26931382, 38736633). ClinVar contains an entry for this variant (Variation ID: 224118). Based on the evidence outlined above, the variant was classified as likely pathogenic.

Blueprint Genetics
Classification: Pathogenic for ALG1-related disorders. Last evaluated: 2024-06-26. Review status: criteria provided, single submitter. Criteria: ACMG Guidelines, 2015. Collection method: clinical testing. Allele origin: germline. Affected: yes. Observed: 5 variant alleles.

Fulgent Genetics
Classification: Likely pathogenic for ALG1-congenital disorder of glycosylation. Last evaluated: 2024-06-18. Review status: criteria provided, single submitter. Criteria: ACMG Guidelines, 2015. Collection method: clinical testing. Allele origin: germline.

Broad Center for Mendelian Genomics, Broad Institute of MIT and Harvard
Classification: Likely pathogenic for Congenital disorder of glycosylation type I. Last evaluated: 2023-05-02. Review status: criteria provided, single submitter. Criteria: ACMG Guidelines, 2015. Collection method: curation. Allele origin: germline. Inheritance: Autosomal recessive inheritance.
Comment: Trio exome analysis revealed that this variant was in trans with a variant of uncertain significance (ClinVar Variation ID: 1483545). The c.1187+3A>G variant in ALG1 has been reported in two individuals with congenital disorder of glycosylation type I (PMID: 26931382, SCV001164452.1), but has been identified in 0.02% (16/68040) of European (non-Finnish) chromosomes by the Genome Aggregation Database (gnomAD; dbSNP ID: rs369160589). Although this variant has been seen in the general population in a heterozygous state, its frequency is low enough to be consistent with a recessive carrier frequency. This variant has also been reported in ClinVar (Variation ID: 224118) and has been interpreted as pathogenic or likely pathogenic by multiple submitters. Of the two affected individuals previously reported, one was a homozygote (SCV001164452.1) and one was a compound heterozygote who carried a reported likely pathogenic variant in trans (PMID: 26931382, PMID: 28554332, ClinVar Variation ID: 4724), which increases the likelihood that the c.1187+3A>G variant is pathogenic. RT-PCR analysis performed on affected tissue showed evidence of intron retention before exon 12, leading to a premature stop codon after addition of 84bp (PMID: 28554332). This variant is located in the 5‚Äô splice region. Computational tools do suggest an impact to splicing. However, this information is not predictive enough to determine pathogenicity. In summary, although additional studies are required to fully establish its clinical significance, this variant is likely pathogenic for autosomal recessive congenital disorder of glycosylation type I. ACMG/AMP Criteria applied: PS3_Moderate, PM3, PM2_Supporting, PP4 (Richards 2015).

GeneDx
Classification: Pathogenic. Last evaluated: 2022-10-25. Review status: criteria provided, single submitter. Criteria: GeneDx Variant Classification Process June 2021. Collection method: clinical testing. Allele origin: germline. Affected: yes.
Comment: Non-canonical splice site variant demonstrated to result in loss of function (Bowling et al., 2017); This variant is associated with the following publications: (PMID: 26931382, 28554332, 32190976)

PreventionGenetics, part of Exact Sciences
Classification: Likely pathogenic for ALG1-related condition. Last evaluated: 2022-09-03. Review status: criteria provided, single submitter. Criteria: ACMG Guidelines, 2015. Collection method: clinical testing. Allele origin: germline.
Comment: The ALG1 c.1187+3A>G variant is predicted to interfere with splicing. This variant has been reported in the compound heterozygous state in individuals with congenital disorder of glycosylation (Ng et al. 2016. PubMed ID: 26931382; Bowling et al. 2017. PubMed ID: 28554332; Burdick et al. 2020. PubMed ID: 32190976). RT-PCR analysis indicated this variant leads to retention of intron 11, resulting in addition of 84 nucleotides (28 codons) and a stop gain (Bowling et al. 2017. PubMed ID: 28554332; González-Domínguez et al. 2021. PubMed ID: 34567092). An additional genome study also confirmed that this variant disrupted splicing (Burdick et al. 2020. PubMed ID: 32190976). This variant is reported in 0.020% of alleles in individuals of European (Non-Finnish) descent in gnomAD. This variant is interpreted as likely pathogenic.

Victorian Clinical Genetics Services, Murdoch Childrens Research Institute
Classification: Pathogenic for ALG1-congenital disorder of glycosylation. Last evaluated: 2022-09-02. Review status: criteria provided, single submitter. Criteria: ACMG Guidelines, 2015. Collection method: clinical testing. Allele origin: germline. Inheritance: Autosomal recessive inheritance. Affected: yes.
Comment: Based on the classification scheme VCGS_Germline_v1.3.4, this variant is classified as Pathogenic. Following criteria are met: 0102 - Loss of function is a known mechanism of disease in this gene and is associated with congenital disorder of glycosylation, type Ik (MIM#608540). (I) 0106 - This gene is associated with autosomal recessive disease. (I) 0210 - Splice site variant proven to affect splicing of the transcript with a known effect on protein sequence. Quantitative PCR from a patient's blood RNA showed the variant led to increased retention of intron 11, which is predicted to result in a premature stop codon and nonsense-mediated decay (NMD) of RNA (PMID: 28554332). (SP) 0251 - This variant is heterozygous. (I) 0304 - Variant is present in gnomAD (v2) <0.01 for a recessive condition (25 heterozygotes, 0 homozygotes). (SP) 0600 - Variant is located in the annotated glycosyl transferases group 1 domain (DECIPHER). (I) 0702 - Other premature termination variants comparable to the one identified in this case have strong previous evidence for pathogenicity. Many NMD-predicted variants have been reported as likely pathogenic/pathogenic in ClinVar. (SP) 0801 - This variant has strong previous evidence of pathogenicity in unrelated individuals. It has been reported as likely pathogenic/pathogenic multiple times in ClinVar, and as compound heterozygous with p.(Ser258Leu) in an affected individual with type I congenital disorder of glycosylation (PMIDs: 26931382, 28554332). (I) Legend: (SP) - Supporting pathogenic, (I) - Information, (SB) - Supporting benign